The following is an entry in ClinVar:

NM_025215.6(PUS1):c.110C>G (p.Pro37Arg)

Genes: PUS1 (pseudouridine synthase 1; plus strand), LOC130009240 (ATAC-STARR-seq lymphoblastoid silent region 5107; plus strand). Cytogenetic location: 12q24.33.
Variant type: single nucleotide variant.
Coding change: c.110C>G on transcript NM_025215.6 (MANE Select); coding-DNA position 110, C replaced by G.
Protein change: p.Pro37Arg; replaces proline 37 with arginine.
Molecular consequence: missense variant.
Genome position (GRCh38, 1-based): chr12:131,929,942, C>G. VCF-style: chr12-131929942-C-G. GRCh37 (hg19) VCF-style: chr12-132414487-C-G.
Other names: c.26C>G, p.Pro9Arg (NM_001002019.3, NM_001002020.3); short protein forms P9R, P37R.
Identifiers: ClinVar variation 763403 (VCV000763403.15), dbSNP rs561744467, ClinGen allele CA6883999.

ClinVar aggregate classification (germline): Benign/Likely benign. Review status: criteria provided, multiple submitters, no conflicts (2 of 4 stars). 4 submissions from 4 submitters: Benign (1); Likely benign (2). 1 of the submissions does not count toward it. Last evaluated 2026-10-01.

Conditions:
Myopathy, lactic acidosis, and sideroblastic anemia 1 (MLASA1). Identifiers: Orphanet 2598, MedGen C4551958, MONDO:0024553, OMIM 600462.

Allele frequency attached by ClinVar (database versions not stated): gnomAD below 0.00001 and 0.00023; TOPMed 0.00003; gnomAD exomes 0.00038 and 0.00118; 1000 Genomes Project 0.00220; 1000 Genomes Project 30x 0.00250; ExAC 0.00430.
gnomAD v4.1: 544 of 1,491,900 alleles (0.036%); highest among the groups gnomAD compares: South Asian, 0.66%; 13 homozygotes.

Submissions (4):

CeGaT Center for Human Genetics Tuebingen
Classification: Likely benign. Last evaluated: 2026-10-01. Review status: criteria provided, single submitter. Criteria: CeGaT Center For Human Genetics Tuebingen Variant Classification Criteria Version 2. Collection method: clinical testing. Allele origin: germline. Affected: yes. Observed: 1 variant allele.
Comment: PUS1: BS2

Labcorp Genetics (formerly Invitae), Labcorp
Classification: Benign. Last evaluated: 2026-01-14. Review status: criteria provided, single submitter. Criteria: Invitae Variant Classification Sherloc (09022015). Collection method: clinical testing. Allele origin: germline.

GeneDx
Classification: Likely benign. Last evaluated: 2020-09-06. Review status: criteria provided, single submitter. Criteria: GeneDx Variant Classification Process June 2021. Collection method: clinical testing. Allele origin: germline. Affected: yes.

Natera, Inc.
Classification: Benign for Myopathy, lactic acidosis, and sideroblastic anemia 1. Last evaluated: 2020-05-20. Review status: no assertion criteria provided. Collection method: clinical testing. Allele origin: germline. Not counted in ClinVar's aggregate classification.